The following is an entry in ClinVar:

NC_000010.10:g.(?_43620311)_(43623717_?)dup

Gene: RET (ret proto-oncogene; plus strand). Cytogenetic location: 10q11.21.
Variant type: Duplication.
Identifiers: ClinVar variation 2426638 (VCV002426638.4).

ClinVar aggregate classification (germline): Uncertain significance (1 of 4 stars; one submission).

Conditions:
Multiple endocrine neoplasia, type 2 (MEN2). Identifiers: Orphanet 653, MedGen C4048306, MONDO:0019003. Disease mechanism: gain of function.

Submission:

Labcorp Genetics (formerly Invitae), Labcorp
Classification: Uncertain significance for Multiple endocrine neoplasia, type 2. Last evaluated: 2022-03-01. Review status: criteria provided, single submitter. Criteria: Invitae Variant Classification Sherloc (09022015). Collection method: clinical testing. Allele origin: germline.
Comment: In summary, the available evidence is currently insufficient to determine the role of this variant in disease. Therefore, it has been classified as a Variant of Uncertain Significance. Experimental studies and prediction algorithms are not available or were not evaluated, and the functional significance of this variant is currently unknown. This variant has not been reported in the literature in individuals affected with RET-related conditions. This variant results in a copy number gain of the genomic region encompassing exon(s) 18-20 of the RET gene. This region includes the termination codon of the gene. This copy number gain extends beyond the assayed region for this gene and therefore may encompass additional genes. As the precise location of this event is unknown, it may be in tandem or it may be located elsewhere in the genome.